The following is an entry in ClinVar:

NM_001372044.2(SHANK3):c.3257G>T (p.Gly1086Val)

Gene: SHANK3 (SH3 and multiple ankyrin repeat domains 3; plus strand). Cytogenetic location: 22q13.33.
Variant type: single nucleotide variant.
Coding change: c.3257G>T on transcript NM_001372044.2 (MANE Select); coding-DNA position 3257, G replaced by T.
Protein change: p.Gly1086Val; replaces glycine 1086 with valine.
Molecular consequence: missense variant.
Genome position (GRCh38, 1-based): chr22:50,720,865, G>T. VCF-style: chr22-50720865-G-T. GRCh37 (hg19) VCF-style: chr22-51159293-G-T.
Other names: c.3032G>T, p.Gly1011Val (NM_033517.1); short protein forms G1011V, G1086V.
Identifiers: ClinVar variation 587798 (VCV000587798.33), dbSNP rs767058690, ClinGen allele CA10325945.

ClinVar aggregate classification (germline): Conflicting classifications of pathogenicity. Review status: criteria provided, conflicting classifications (1 of 4 stars). 6 submissions from 6 submitters: Uncertain significance (1); Benign (1); Likely benign (3). 1 of the submissions does not count toward it. Last evaluated 2024-12-01.

Conditions:
SHANK3-related disorder. Also called: SHANK3-related condition.
Inborn genetic diseases. Identifiers: MedGen C0950123, MeSH D030342.

Allele frequency attached by ClinVar (database versions not stated): 1000 Genomes Project 30x 0.00016; TOPMed 0.00053; gnomAD 0.00060 and 0.00061; gnomAD exomes 0.00105; ExAC 0.00440.

Submissions (6):

CeGaT Center for Human Genetics Tuebingen
Classification: Likely benign. Last evaluated: 2024-12-01. Review status: criteria provided, single submitter. Criteria: CeGaT Center For Human Genetics Tuebingen Variant Classification Criteria Version 2. Collection method: clinical testing. Allele origin: germline. Affected: yes. Observed: 6 variant alleles.
Comment: SHANK3: BS1

Blueprint Genetics
Classification: Likely benign. Last evaluated: 2024-11-26. Review status: criteria provided, single submitter. Criteria: ACMG Guidelines, 2015. Collection method: clinical testing. Allele origin: germline.

Women's Health and Genetics/Laboratory Corporation of America, LabCorp
Classification: Uncertain significance. Last evaluated: 2023-11-10. Review status: criteria provided, single submitter. Criteria: LabCorp Variant Classification Summary - May 2015. Collection method: clinical testing. Allele origin: germline.
Comment: Variant summary: SHANK3 c.3257G>T (p.Arg1086Leu) results in a non-conservative amino acid change in the encoded protein sequence. Two of two in-silico tools predict a damaging effect of the variant on protein function. The variant was absent in 127098 control chromosomes (gnomAD). The available data on variant occurrences in the general population are insufficient to allow any conclusion about variant significance. To our knowledge, no occurrence of c.3257G>T in individuals affected with Phelan-McDermid Syndrome and no experimental evidence demonstrating its impact on protein function have been reported. No submitters have cited clinical-significance assessments for this variant to ClinVar after 2014. Based on the evidence outlined above, the variant was classified as uncertain significance.

GeneDx
Classification: Benign. Last evaluated: 2020-03-02. Review status: criteria provided, single submitter. Criteria: GeneDx Variant Classification Process June 2021. Collection method: clinical testing. Allele origin: germline. Affected: yes.
Comment: This variant is associated with the following publications: (PMID: 25188300, 20385823, 28371232)

Ambry Genetics
Classification: Likely benign for Inborn genetic diseases. Last evaluated: 2018-12-07. Review status: criteria provided, single submitter. Criteria: Ambry Variant Classification Scheme 2023. Collection method: clinical testing. Allele origin: germline.

PreventionGenetics, part of Exact Sciences
Classification: Likely benign for SHANK3-related condition. Last evaluated: 2022-05-22. Review status: no assertion criteria provided. Collection method: clinical testing. Allele origin: germline. Not counted in ClinVar's aggregate classification.
Comment: This variant is classified as likely benign based on ACMG/AMP sequence variant interpretation guidelines (Richards et al. 2015 PMID: 25741868, with internal and published modifications).

Literature cited by the submitters: PubMed 17173049 (cited by Ambry Genetics); PubMed 20385823 (cited by Ambry Genetics).